The following is an entry in ClinVar:

NM_024675.4(PALB2):c.1825A>G (p.Ile609Val)

Gene: PALB2 (partner and localizer of BRCA2; minus strand). Cytogenetic location: 16p12.2.
Variant type: single nucleotide variant.
Coding change: c.1825A>G on transcript NM_024675.4 (MANE Select); coding-DNA position 1825, A replaced by G.
Protein change: p.Ile609Val; replaces isoleucine 609 with valine.
Molecular consequence: missense variant. On other transcripts: intron variant (1).
Genome position (GRCh38, 1-based): chr16:23,630,329, T>C on the plus strand (A>G on the coding strand, the complement: PALB2 is on the minus strand). VCF-style: chr16-23630329-T-C. GRCh37 (hg19) VCF-style: chr16-23641650-T-C.
Other names: c.1765A>G, p.Ile589Val (NM_001407296.1); c.1825A>G, p.Ile609Val (NM_001407297.1, NM_001407298.1, NM_001407299.1 and 3 more transcripts); c.940A>G, p.Ile314Val (NM_001407304.1, NM_001407305.1, NM_001407306.1 and 5 more transcripts); c.37A>G, p.Ile13Val (NM_001407312.1, NM_001407313.1); c.49-1054A>G (NM_001407314.1); short protein forms I314V, I589V, I609V, I13V.
Identifiers: ClinVar variation 3927429 (VCV003927429.1).
Genomic context (GRCh38, chr16:23,630,329, plus strand): 5'-ACTTCACTTTTTCAAGCTTAAGAGGTCCAAAGTCTTCATCAGGTAACTGAAAGTCTGTGA[T>C]ACTGAGAAAAGACAGTAGTTGCTTTAAACTCAGCATTCCATCCCTATGAAATGGAGCCGT-3'
Protein context (NP_078951.2, residues 599-619): SLKQLLSFLS[Ile609Val]TDFQLPDEDF

ClinVar aggregate classification (germline): Uncertain significance (1 of 4 stars; one submission).

Conditions:
Hereditary cancer-predisposing syndrome. Also called: Hereditary Cancer Syndrome; Hereditary neoplastic syndrome; Neoplastic Syndromes, Hereditary; Tumor predisposition. Identifiers: Orphanet 140162, MedGen C0027672, MeSH D009386, MONDO:0015356.

Submission:

Ambry Genetics
Classification: Uncertain significance for Hereditary cancer-predisposing syndrome. Last evaluated: 2025-03-31. Review status: criteria provided, single submitter. Criteria: Ambry Variant Classification Scheme 2023. Collection method: clinical testing. Allele origin: germline.
Comment: The p.I609V variant (also known as c.1825A>G), located in coding exon 5 of the PALB2 gene, results from an A to G substitution at nucleotide position 1825. The isoleucine at codon 609 is replaced by valine, an amino acid with highly similar properties. This amino acid position is conserved. In addition, this alteration is predicted to be tolerated by in silico analysis. Based on the available evidence, the clinical significance of this variant remains unclear.